The following is an entry in ClinVar:

NM_000038.6(APC):c.23_31delinsC (p.Gln8fs)

Gene: APC (APC regulator of Wnt signaling pathway; plus strand). Cytogenetic location: 5q22.2.
Variant type: Indel.
Coding change: c.23_31delinsC on transcript NM_000038.6 (MANE Select); coding-DNA positions 23 to 31, AGTTGTTAA replaced by C.
Protein change: p.Gln8fs; shifts the reading frame from glutamine 8.
Molecular consequence: frameshift variant. On other transcripts: 5 prime UTR variant (4), non-coding transcript variant (2), intron variant (11).
Genome position (GRCh38, 1-based): chr5:112,754,913-112,754,921, AGTTGTTAA replaced by C. VCF-style: chr5-112754913-AGTTGTTAA-C. GRCh37 (hg19) VCF-style: chr5-112090610-AGTTGTTAA-C.
Other names: c.23_31delinsC, p.Gln8fs (NM_001127510.3, NM_001354895.2, NM_001354896.2 and 16 more transcripts); c.-1013_-1005delinsC (NM_001354906.2, NM_001407470.1, NM_001407471.1 and 1 more transcripts); c.166-11413_166-11405delinsC (NM_001407446.1, NM_001354897.2, NM_001354902.2 and 1 more transcripts); c.-42-11413_-42-11405delinsC (NM_001407453.1, NM_001354900.2, NM_001354901.2 and 1 more transcripts); c.61-11413_61-11405delinsC (NM_001407451.1, NM_001354898.2, NM_001354904.2); short protein forms Q8fs.
Identifiers: ClinVar variation 2583735 (VCV002583735.1), dbSNP rs2532134741, ClinGen allele CA2582341251.

ClinVar aggregate classification (germline): Pathogenic (1 of 4 stars; one submission).

Conditions:
Familial adenomatous polyposis 1 (FAP1). Also called: POLYPOSIS, ADENOMATOUS INTESTINAL; FAMILIAL ADENOMATOUS POLYPOSIS 1, ATTENUATED. Identifiers: MedGen C2713442, MONDO:0021056, OMIM 175100. Disease mechanism: loss of function.

Submission:

Myriad Genetics, Inc.
Classification: Pathogenic for Familial adenomatous polyposis 1. Last evaluated: 2023-04-24. Review status: criteria provided, single submitter. Criteria: Myriad Autosomal Dominant, Autosomal Recessive and X-Linked Classification Criteria (2023). Collection method: clinical testing. Allele origin: unknown.
Comment: This variant is considered pathogenic. This variant creates a frameshift predicted to result in premature protein truncation.